The following is an entry in ClinVar:

NM_014000.3(VCL):c.707A>G (p.Lys236Arg)

Gene: VCL (vinculin; plus strand). Cytogenetic location: 10q22.2.
Variant type: single nucleotide variant.
Coding change: c.707A>G on transcript NM_014000.3 (MANE Select); coding-DNA position 707, A replaced by G.
Protein change: p.Lys236Arg; replaces lysine 236 with arginine.
Molecular consequence: missense variant.
Genome position (GRCh38, 1-based): chr10:74,074,827, A>G. VCF-style: chr10-74074827-A-G. GRCh37 (hg19) VCF-style: chr10-75834585-A-G.
Other names: c.707A>G, p.Lys236Arg (NM_003373.4); short protein forms K236R.
Identifiers: ClinVar variation 3658275 (VCV003658275.2).
Genomic context (GRCh38, chr10:74,074,827, plus strand): 5'-AAAACTCAAAAAACCAAGGCATAGAGGAAGCTTTAAAAAATCGCAATTTTACTGTAGAAA[A>G]AATGAGTGCTGAAATTAATGAGATAATTCGTGTGTTACAACTCACCTCTTGGGATGAAGA-3'
Protein context (NP_054706.1, residues 226-246): ALKNRNFTVE[Lys236Arg]MSAEINEIIR

ClinVar aggregate classification (germline): Uncertain significance (1 of 4 stars; one submission).

Conditions:
Dilated cardiomyopathy 1W (CMD1W). Identifiers: Orphanet 154, MedGen C1969639, MONDO:0012667, OMIM 611407.

gnomAD v4.1: 1 of 1,614,188 alleles (0.000062%); highest among the groups gnomAD compares: Non-Finnish European, 0.000085%; no homozygotes.

Submission:

Labcorp Genetics (formerly Invitae), Labcorp
Classification: Uncertain significance for Dilated cardiomyopathy 1W. Last evaluated: 2024-06-30. Review status: criteria provided, single submitter. Criteria: Invitae Variant Classification Sherloc (09022015). Collection method: clinical testing. Allele origin: germline.
Comment: This sequence change replaces lysine, which is basic and polar, with arginine, which is basic and polar, at codon 236 of the VCL protein (p.Lys236Arg). This variant is not present in population databases (gnomAD no frequency). This variant has not been reported in the literature in individuals affected with VCL-related conditions. An algorithm developed to predict the effect of missense changes on protein structure and function (PolyPhen-2) suggests that this variant is likely to be disruptive. In summary, the available evidence is currently insufficient to determine the role of this variant in disease. Therefore, it has been classified as a Variant of Uncertain Significance.